The following is an entry in ClinVar:

NM_006663.4(PPP1R13L):c.1068dup (p.Ser357fs)

Gene: PPP1R13L (protein phosphatase 1 regulatory subunit 13 like; minus strand). Cytogenetic location: 19q13.32.
Variant type: Duplication.
Coding change: c.1068dup on transcript NM_006663.4 (MANE Select); coding-DNA position 1068, one base duplicated (C; older notation c.1068dupC).
Protein change: p.Ser357fs; shifts the reading frame from serine 357.
Molecular consequence: frameshift variant.
Genome position (GRCh38, 1-based): chr19:45,395,722, G duplicated on the plus strand (C on the coding strand, the reverse complement: PPP1R13L is on the minus strand); the first of 6 consecutive G bases (chr19:45,395,722-45,395,727); duplicating any one gives the same sequence. VCF-style (leftmost placement, unchanged base first): chr19-45395721-A-AG. GRCh37 (hg19) VCF-style: chr19-45898979-A-AG.
Other names: c.1068dup, p.Ser357fs (NM_001142502.2); short protein forms S357fs.
Identifiers: ClinVar variation 1699017 (VCV001699017.5), dbSNP rs2123382133, ClinGen allele CA996302219.
Genomic context (GRCh38, chr19:45,395,721, plus strand): 5'-TGAAGATCATGCTGAGGGGGATGGGACGCTGGCGCGGGGCCCCGCGGGGCTGGGGGCTGG[A>AG]GGGGGGCATGGGGATGCGGCTGACGGGCTGCCAGCTGCGAGGCAAAGTGCCCGACGGCCC-3'

ClinVar aggregate classification (germline): Pathogenic/Likely pathogenic. Review status: criteria provided, multiple submitters, no conflicts (2 of 4 stars). 3 submissions from 3 submitters: Pathogenic (1); Likely pathogenic (1). 1 of the submissions does not count toward it. Last evaluated 2022-02-02.

Conditions:
Arrhythmogenic cardiomyopathy with variable ectodermal abnormalities (ARCME). Identifiers: MedGen C5882696, MONDO:0957795, OMIM 620519.
Multiple congenital anomalies/dysmorphic syndrome. Identifiers: Orphanet 68341, MedGen C5681310, MONDO:0019042.
PPP1R13L-related disorder. Also called: PPP1R13L-related condition.

Submissions (3):

Victorian Clinical Genetics Services, Murdoch Childrens Research Institute
Classification: Pathogenic for Multiple congenital anomalies/dysmorphic syndrome. Last evaluated: 2022-02-02. Review status: criteria provided, single submitter. Criteria: ACMG Guidelines, 2015. Collection method: clinical testing. Allele origin: germline. Inheritance: Autosomal recessive inheritance.
Comment: Based on the classification scheme VCGS_Germline_v1.3.4, this variant is classified as Pathogenic. Following criteria are met: 0102 - Loss of function is a known mechanism of disease in this gene and is associated with PPP1R13L-related syndrome. (I) 0106 - This gene is associated with autosomal recessive disease. (I) 0201 - Variant is predicted to cause nonsense-mediated decay (NMD) and loss of protein (premature termination codon is located at least 54 nucleotides upstream of the final exon-exon junction). (SP) 0252 - This variant is homozygous. (I) 0301 - Variant is absent from gnomAD (both v2 and v3), however it is located in a low complexity region with reduced coverage. (SP) 0402 - Variant is located in a gene associated with a severe early-onset recessive condition that is intolerant to biallelic loss of function variants (gnomAD (v2), PMID: 28069640, PMID: 32666529). (SP) 0702 - Other NMD-predicted variants comparable to the one identified in this case have strong previous evidence for pathogenicity. At least five other variants predicted to result in a loss of function have previously been reported in individuals with autosomal recessive PPP1R13L-related syndrome. Patients described with biallelic pathogenic variants in PPP1R13L all had severe infantile-onset dilated cardiomyopathy, with additional features including cleft lip and palate, wedge-shaped teeth, and sparse, dry, woolly hair described in several individuals (ClinVar, DECIPHER, PMID: 28069640, PMID: 32666529). (SP) 0807 - This variant has no previous evidence of pathogenicity. (I) 0905 - No published segregation evidence has been identified for this variant. (I) 1007 - No published functional evidence has been identified for this variant. (I) 1102 - Strong phenotype match for this individual. (I) Legend: (SP) - Supporting pathogenic, (I) - Information, (SB) - Supporting benign

Blueprint Genetics
Classification: Likely pathogenic for PPP1R13L-related disorders. Last evaluated: 2021-05-18. Review status: criteria provided, single submitter. Criteria: ACMG Guidelines, 2015. Collection method: clinical testing. Allele origin: germline. Affected: yes. Observed: 1 variant allele.

OMIM
Classification: Pathogenic for ARRHYTHMOGENIC CARDIOMYOPATHY WITH VARIABLE ECTODERMAL ABNORMALITIES. Last evaluated: 2023-09-26. Review status: no assertion criteria provided. Collection method: literature only. Allele origin: germline. Not counted in ClinVar's aggregate classification.

Literature cited by the submitters: PubMed 28069640 (cited by Victorian Clinical Genetics Services, Murdoch Childrens Research Institute); PubMed 32666529 (cited by Victorian Clinical Genetics Services, Murdoch Childrens Research Institute); PubMed 35924320 (cited by OMIM).